The following is an entry in ClinVar:

ClinVar aggregate classification (germline): Likely benign. Review status: criteria provided, single submitter (1 of 4 stars). 2 submissions from 2 submitters: Likely benign (1). 1 of the submissions does not count toward it. Last evaluated 2023-01-01.

Conditions:
PLXNA4-related disorder. Also called: PLXNA4-related condition.

Allele frequency attached by ClinVar (database versions not stated): ExAC 0.00016; TOPMed 0.00019; ESP Exome Variant Server 0.00023; gnomAD 0.00026; gnomAD exomes 0.00034.
gnomAD v4.1: 527 of 1,613,630 alleles (0.033%); highest among the groups gnomAD compares: Middle Eastern, 0.17%; no homozygotes.

Submissions (2):

CeGaT Center for Human Genetics Tuebingen
Classification: Likely benign. Last evaluated: 2023-01-01. Review status: criteria provided, single submitter. Criteria: CeGaT Center For Human Genetics Tuebingen Variant Classification Criteria Version 2. Collection method: clinical testing. Allele origin: germline. Affected: yes. Observed: 1 variant allele.
Comment: PLXNA4: BP4, BP7

PreventionGenetics, part of Exact Sciences
Classification: Likely benign for PLXNA4-related condition. Last evaluated: 2022-08-16. Review status: no assertion criteria provided. Collection method: clinical testing. Allele origin: germline. Not counted in ClinVar's aggregate classification.
Comment: This variant is classified as likely benign based on ACMG/AMP sequence variant interpretation guidelines (Richards et al. 2015 PMID: 25741868, with internal and published modifications).

NM_020911.2(PLXNA4):c.2253C>T (p.Pro751=)

Gene: PLXNA4 (plexin A4; minus strand). Cytogenetic location: 7q32.3.
Variant type: single nucleotide variant.
Coding change: c.2253C>T on transcript NM_020911.2 (MANE Select); coding-DNA position 2253, C replaced by T.
Protein change: p.Pro751=; no amino-acid change (proline 751 retained).
Molecular consequence: synonymous variant.
Genome position (GRCh38, 1-based): chr7:132,210,988, G>A on the plus strand (C>T on the coding strand, the complement: PLXNA4 is on the minus strand). VCF-style: chr7-132210988-G-A. GRCh37 (hg19) VCF-style: chr7-131895747-G-A.
Other names: c.2253C>T (NM_020911.1); c.2253C>T, p.Pro751= (NM_001393897.1).
Identifiers: ClinVar variation 2658001 (VCV002658001.25), dbSNP rs376095875, ClinGen allele CA4489860.